The following is an entry in ClinVar:

ClinVar aggregate classification (germline): Likely benign (1 of 4 stars; one submission).

gnomAD v4.1: 11 of 1,613,392 alleles (0.00068%); highest among the groups gnomAD compares: Admixed American, 0.018%; no homozygotes.

Submission:

CeGaT Center for Human Genetics Tuebingen
Classification: Likely benign. Last evaluated: 2026-09-01. Review status: criteria provided, single submitter. Criteria: CeGaT Center For Human Genetics Tuebingen Variant Classification Criteria Version 2. Collection method: clinical testing. Allele origin: germline. Affected: yes. Observed: 1 variant allele.
Comment: UNC79: BP4, BP7

NM_001395159.1(UNC79):c.3178A>C (p.Arg1060=)

Gene: UNC79 (unc-79 subunit of NALCN channel complex; plus strand). Cytogenetic location: 14q32.12.
Variant type: single nucleotide variant.
Coding change: c.3178A>C on transcript NM_001395159.1 (MANE Select); coding-DNA position 3178, A replaced by C.
Protein change: p.Arg1060=; no amino-acid change (arginine 1060 retained).
Molecular consequence: synonymous variant.
Genome position (GRCh38, 1-based): chr14:93,593,825, A>C. VCF-style: chr14-93593825-A-C. GRCh37 (hg19) VCF-style: chr14-94060171-A-C.
Other names: c.3178A>C, p.Arg1060= (NM_001346218.2); c.2647A>C, p.Arg883= (NM_020818.5).
Identifiers: ClinVar variation 5041558 (VCV005041558.1).